The following is an entry in ClinVar:

NM_004990.4(MARS1):c.155A>G (p.Gln52Arg)

Gene: MARS1 (methionyl-tRNA synthetase 1; plus strand). Cytogenetic location: 12q13.3.
Variant type: single nucleotide variant.
Coding change: c.155A>G on transcript NM_004990.4 (MANE Select); coding-DNA position 155, A replaced by G.
Protein change: p.Gln52Arg; replaces glutamine 52 with arginine.
Molecular consequence: missense variant.
Genome position (GRCh38, 1-based): chr12:57,489,064, A>G. VCF-style: chr12-57489064-A-G. GRCh37 (hg19) VCF-style: chr12-57882847-A-G.
Other names: short protein forms Q52R.
Identifiers: ClinVar variation 3757890 (VCV003757890.2).

ClinVar aggregate classification (germline): Uncertain significance (1 of 4 stars; one submission).

Conditions:
Severe early-onset pulmonary alveolar proteinosis due to MARS deficiency. Also called: PULMONARY ALVEOLAR PROTEINOSIS, REUNION ISLAND; Interstitial lung and liver disease. Identifiers: Orphanet 440427, MedGen C4225400, MONDO:0014206, OMIM 615486.
Charcot-Marie-Tooth disease axonal type 2U. Also called: CHARCOT-MARIE-TOOTH NEUROPATHY, TYPE 2U; CHARCOT-MARIE-TOOTH DISEASE, AXONAL, AUTOSOMAL DOMINANT, TYPE 2U. Identifiers: Orphanet 397735, MedGen C4084821, MONDO:0014566, OMIM 616280.

gnomAD v4.1: 2 of 1,613,378 alleles (0.00012%); highest among the groups gnomAD compares: Non-Finnish European, 0.00017%; no homozygotes.

Submission:

Labcorp Genetics (formerly Invitae), Labcorp
Classification: Uncertain significance for Charcot-Marie-Tooth disease axonal type 2U; Severe early-onset pulmonary alveolar proteinosis due to MARS deficiency. Last evaluated: 2024-08-29. Review status: criteria provided, single submitter. Criteria: Invitae Variant Classification Sherloc (09022015). Collection method: clinical testing. Allele origin: germline.
Comment: This sequence change replaces glutamine, which is neutral and polar, with arginine, which is basic and polar, at codon 52 of the MARS protein (p.Gln52Arg). This variant is present in population databases (rs764310981, gnomAD 0.006%). This variant has not been reported in the literature in individuals affected with MARS-related conditions. An algorithm developed to predict the effect of missense changes on protein structure and function (PolyPhen-2) suggests that this variant is likely to be tolerated. In summary, the available evidence is currently insufficient to determine the role of this variant in disease. Therefore, it has been classified as a Variant of Uncertain Significance.